The following is an entry in ClinVar:

NM_182943.3(PLOD2):c.2106G>C (p.Val702=)

Gene: PLOD2 (procollagen-lysine,2-oxoglutarate 5-dioxygenase 2; minus strand). Cytogenetic location: 3q24.
Variant type: single nucleotide variant.
Coding change: c.2106G>C on transcript NM_182943.3 (MANE Select); coding-DNA position 2106, G replaced by C.
Protein change: p.Val702=; no amino-acid change (valine 702 retained).
Molecular consequence: synonymous variant.
Genome position (GRCh38, 1-based): chr3:146,071,057, C>G on the plus strand (G>C on the coding strand, the complement: PLOD2 is on the minus strand). VCF-style: chr3-146071057-C-G. GRCh37 (hg19) VCF-style: chr3-145788844-C-G.
Other names: p.Val702=; c.2043G>C, p.Val681= (NM_000935.3).
Identifiers: ClinVar variation 712702 (VCV000712702.23), dbSNP rs147997412, ClinGen allele CA2654683.
Genomic context (GRCh38, chr3:146,071,057, plus strand): 5'-ATATATTTCTTTTGAAAAATCTAAAAACACAAGAGTCATAATTACCTGAAAGTCTTCTCC[C>G]ACGTTATTAAGTGCAATGTTTATGGTAAATGTAGAAGCATCATGATGAGGACGAAGAGAA-3'
Protein context (NP_891988.1, residues 692-712): TFTINIALNN[Val702=]GEDFQGGGCK

ClinVar aggregate classification (germline): Benign/Likely benign. Review status: criteria provided, multiple submitters, no conflicts (2 of 4 stars). 8 submissions from 8 submitters: Benign (3); Likely benign (5). Last evaluated 2026-08-01.

Conditions:
Osteogenesis imperfecta (OI). Identifiers: Orphanet 666, MedGen C0029434, MeSH D010013, MONDO:0019019.
Bruck syndrome 2 (BRKS2). Also called: OSTEOGENESIS IMPERFECTA WITH CONGENITAL JOINT CONTRACTURES. Identifiers: Orphanet 2771, MedGen C1836602, MONDO:0012217, OMIM 609220.

Allele frequency attached by ClinVar (database versions not stated): gnomAD exomes 0.00074; ExAC 0.00095; gnomAD 0.00270 and 0.00288; ESP Exome Variant Server 0.00284; 1000 Genomes Project 0.00300; TOPMed 0.00307; 1000 Genomes Project 30x 0.00312.
gnomAD v4.1: 791 of 1,607,792 alleles (0.049%); highest among the groups gnomAD compares: African/African-American, 0.94%; 3 homozygotes.

Submissions (8):

CeGaT Center for Human Genetics Tuebingen
Classification: Likely benign. Last evaluated: 2026-08-01. Review status: criteria provided, single submitter. Criteria: CeGaT Center For Human Genetics Tuebingen Variant Classification Criteria Version 2. Collection method: clinical testing. Allele origin: germline. Affected: yes. Observed: 1 variant allele.
Comment: PLOD2: BP4, BP7

Labcorp Genetics (formerly Invitae), Labcorp
Classification: Benign. Last evaluated: 2026-01-26. Review status: criteria provided, single submitter. Criteria: Invitae Variant Classification Sherloc (09022015). Collection method: clinical testing. Allele origin: germline.

Blueprint Genetics
Classification: Likely benign. Last evaluated: 2024-11-25. Review status: criteria provided, single submitter. Criteria: ACMG Guidelines, 2015. Collection method: clinical testing. Allele origin: germline.

ARUP Laboratories, Molecular Genetics and Genomics, ARUP Laboratories
Classification: Likely benign for Bruck syndrome 2. Last evaluated: 2024-06-10. Review status: criteria provided, single submitter. Criteria: ARUP Molecular Germline Variant Investigation Process 2024. Collection method: clinical testing. Allele origin: germline.

Mayo Clinic Laboratories, Mayo Clinic
Classification: Benign. Last evaluated: 2023-03-16. Review status: criteria provided, single submitter. Criteria: ACMG Guidelines, 2015. Collection method: clinical testing. Allele origin: germline. Observed: 4 variant alleles.
Comment: BS1, BS2, BP4, BP7

GeneDx
Classification: Likely benign. Last evaluated: 2021-05-19. Review status: criteria provided, single submitter. Criteria: GeneDx Variant Classification Process June 2021. Collection method: clinical testing. Allele origin: germline. Affected: yes.

Genome Diagnostics Laboratory, The Hospital for Sick Children
Classification: Likely benign for Osteogenesis imperfecta. Last evaluated: 2021-01-08. Review status: criteria provided, single submitter. Criteria: ACMG Guidelines, 2015. Collection method: clinical testing. Allele origin: germline.

Illumina Laboratory Services, Illumina
Classification: Benign for Bruck syndrome 2. Last evaluated: 2018-01-13. Review status: criteria provided, single submitter. Criteria: ICSL Variant Classification Criteria 13 December 2019. Collection method: clinical testing. Allele origin: germline.
Comment: This variant was observed in the ICSL laboratory as part of a predisposition screen in an ostensibly healthy population. It had not been previously curated by ICSL or reported in the Human Gene Mutation Database (HGMD: prior to June 1st, 2018), and was therefore a candidate for classification through an automated scoring system. Utilizing variant allele frequency, disease prevalence and penetrance estimates, and inheritance mode, an automated score was calculated to assess if this variant is too frequent to cause the disease. Based on the score and internal cut-off values, a variant classified as benign is not then subjected to further curation. The score for this variant resulted in a classification of benign for this disease.